The following is an entry in ClinVar:

NM_004370.6(COL12A1):c.2835T>A (p.Asp945Glu)

Gene: COL12A1 (collagen type XII alpha 1 chain; minus strand). Cytogenetic location: 6q13.
Variant type: single nucleotide variant.
Coding change: c.2835T>A on transcript NM_004370.6 (MANE Select); coding-DNA position 2835, T replaced by A.
Protein change: p.Asp945Glu; replaces aspartic acid 945 with glutamic acid.
Molecular consequence: missense variant. On other transcripts: intron variant (2).
Genome position (GRCh38, 1-based): chr6:75,165,655, A>T on the plus strand (T>A on the coding strand, the complement: COL12A1 is on the minus strand). VCF-style: chr6-75165655-A-T. GRCh37 (hg19) VCF-style: chr6-75875371-A-T.
Other names: c.2835T>A, p.Asp945Glu (NM_001424113.1, NM_001424114.1); c.2562T>A, p.Asp854Glu (NM_001424115.1); c.74-13173T>A (NM_001424116.1, NM_080645.3); short protein forms D854E, D945E.
Identifiers: ClinVar variation 3761434 (VCV003761434.2).
Genomic context (GRCh38, chr6:75,165,655, plus strand): 5'-CAGATTTTCTATCATCGTATGAATTGCATCTTCAGGCAGATTTTTCTCTCCAGTGTCAAC[A>T]TCATCATAAAGTGATTTCCATGAGACCCTGTAACCGCGAACCATTCCTGGAGCAGATGTC-3'
Protein context (NP_004361.3, residues 935-955): YRVSWKSLYD[Asp945Glu]VDTGEKNLPE

ClinVar aggregate classification (germline): Uncertain significance (1 of 4 stars; one submission).

Conditions:
Ullrich congenital muscular dystrophy 2 (UCMD2). Identifiers: Orphanet 75840, MedGen C4225314, MONDO:0014654, OMIM 616470.
Bethlem myopathy 2 (BTHLM2). Identifiers: Orphanet 536516, Orphanet 610, MedGen C4225313, MONDO:0034022, OMIM 616471.

Submission:

Labcorp Genetics (formerly Invitae), Labcorp
Classification: Uncertain significance for Bethlem myopathy 2; Ullrich congenital muscular dystrophy 2. Last evaluated: 2024-08-05. Review status: criteria provided, single submitter. Criteria: Invitae Variant Classification Sherloc (09022015). Collection method: clinical testing. Allele origin: germline.
Comment: This sequence change replaces aspartic acid, which is acidic and polar, with glutamic acid, which is acidic and polar, at codon 945 of the COL12A1 protein (p.Asp945Glu). This variant is not present in population databases (gnomAD no frequency). This variant has not been reported in the literature in individuals affected with COL12A1-related conditions. Advanced modeling of protein sequence and biophysical properties (such as structural, functional, and spatial information, amino acid conservation, physicochemical variation, residue mobility, and thermodynamic stability) performed at Invitae indicates that this missense variant is not expected to disrupt COL12A1 protein function with a negative predictive value of 80%. In summary, the available evidence is currently insufficient to determine the role of this variant in disease. Therefore, it has been classified as a Variant of Uncertain Significance.